The following is an entry in ClinVar:

ClinVar aggregate classification (germline): Pathogenic (1 of 4 stars; one submission).

Conditions:
Familial adenomatous polyposis 1 (FAP1). Also called: FAMILIAL ADENOMATOUS POLYPOSIS 1, ATTENUATED; POLYPOSIS, ADENOMATOUS INTESTINAL. Identifiers: MedGen C2713442, MONDO:0021056, OMIM 175100. Disease mechanism: loss of function.

Submission:

Labcorp Genetics (formerly Invitae), Labcorp
Classification: Pathogenic for Familial adenomatous polyposis 1. Last evaluated: 2019-06-02. Review status: criteria provided, single submitter. Criteria: Invitae Variant Classification Sherloc (09022015). Collection method: clinical testing. Allele origin: germline.
Comment: This sequence change results in a premature translational stop signal in the APC gene (p.Tyr799*). While this is not anticipated to result in nonsense mediated decay, it is expected to disrupt the last 2045 amino acids of the APC protein. This variant is not present in population databases (ExAC no frequency). This variant has not been reported in the literature in individuals with APC-related conditions. This variant is expected to disrupt the EB1 and HDLG binding sites, which mediate interactions with the cytoskeleton (PMID: 15311282, 17293347). While functional studies have not been performed to directly test the effect on APC protein function, this suggests that disruption of the C-terminal portion of the protein is functionally important. For these reasons, this variant has been classified as Pathogenic. A different truncation (p.Tyr2645Lysfs*14) that lies downstream of this variant has been determined to be pathogenic (PMID: 9824584, 1316610, 27081525, 8381579, 22135120, Invitae). This suggests that deletion of this region of the APC protein is causative of disease.

Literature cited by the submitters: PubMed 15311282; PubMed 17293347; PubMed 9824584; PubMed 1316610; PubMed 27081525; PubMed 8381579; PubMed 22135120.

NM_000038.6(APC):c.2397T>G (p.Tyr799Ter)

Gene: APC (APC regulator of Wnt signaling pathway; plus strand). Cytogenetic location: 5q22.2.
Variant type: single nucleotide variant.
Coding change: c.2397T>G on transcript NM_000038.6 (MANE Select); coding-DNA position 2397, T replaced by G.
Protein change: p.Tyr799Ter; replaces tyrosine 799 with a stop codon.
Molecular consequence: nonsense.
Genome position (GRCh38, 1-based): chr5:112,837,991, T>G. VCF-style: chr5-112837991-T-G. GRCh37 (hg19) VCF-style: chr5-112173688-T-G.
Other names: c.2397T>G, p.Tyr799Ter (NM_001127510.3, NM_001354895.2); c.2343T>G, p.Tyr781Ter (NM_001127511.3); c.2451T>G, p.Tyr817Ter (NM_001354896.2); c.2427T>G, p.Tyr809Ter (NM_001354897.2); c.2322T>G, p.Tyr774Ter (NM_001354898.2); c.2313T>G, p.Tyr771Ter (NM_001354899.2); c.2274T>G, p.Tyr758Ter (NM_001354900.2); c.2220T>G, p.Tyr740Ter (NM_001354901.2); and 5 more; short protein forms Y639*, Y698*, Y809*, Y771*, Y781*, Y799*, Y740*, Y758*.
Identifiers: ClinVar variation 938906 (VCV000938906.11), dbSNP rs1765170817, ClinGen allele CA16026600.